The following continues an entry in ClinVar:

NM_001848.3(COL6A1):c.2441A>G (p.Lys814Arg)

Gene: COL6A1. ClinVar aggregate classification (germline): Benign/Likely benign. Benign (5); Likely benign (2).

Submissions 30 to 41 of 41:

Dr. Peter K. Rogan Lab, Western University
No classification provided (evidence only). Condition: Uterine carcinosarcoma. Review status: no classification provided. Collection method: in vitro. Allele origin: not applicable. Functional consequence: skipped exon. Not counted in ClinVar's aggregate classification.

Dr. Peter K. Rogan Lab, Western University
No classification provided (evidence only). Condition: Malignant tumor of esophagus. Review status: no classification provided. Collection method: in vitro. Allele origin: not applicable. Functional consequence: skipped exon, retained intron. Not counted in ClinVar's aggregate classification.

Dr. Peter K. Rogan Lab, Western University
No classification provided (evidence only). Condition: Malignant tumor of esophagus. Review status: no classification provided. Collection method: in vitro. Allele origin: not applicable. Functional consequence: skipped exon. Not counted in ClinVar's aggregate classification.

Dr. Peter K. Rogan Lab, Western University
No classification provided (evidence only). Condition: Malignant tumor of esophagus. Review status: no classification provided. Collection method: in vitro. Allele origin: not applicable. Functional consequence: retained intron. Not counted in ClinVar's aggregate classification.

Dr. Peter K. Rogan Lab, Western University
No classification provided (evidence only). Condition: Malignant tumor of esophagus. Review status: no classification provided. Collection method: in vitro. Allele origin: not applicable. Functional consequence: retained intron. Not counted in ClinVar's aggregate classification.

Dr. Peter K. Rogan Lab, Western University
No classification provided (evidence only). Condition: Malignant tumor of esophagus. Review status: no classification provided. Collection method: in vitro. Allele origin: not applicable. Functional consequence: retained intron. Not counted in ClinVar's aggregate classification.

Dr. Peter K. Rogan Lab, Western University
No classification provided (evidence only). Condition: Malignant tumor of esophagus. Review status: no classification provided. Collection method: in vitro. Allele origin: not applicable. Functional consequence: skipped exon. Not counted in ClinVar's aggregate classification.

Dr. Peter K. Rogan Lab, Western University
No classification provided (evidence only). Condition: Malignant tumor of esophagus. Review status: no classification provided. Collection method: in vitro. Allele origin: not applicable. Functional consequence: skipped exon, retained intron. Not counted in ClinVar's aggregate classification.

Genetic Services Laboratory, University of Chicago
Classification: Likely benign for AllHighlyPenetrant. Review status: no assertion criteria provided. Collection method: clinical testing. Allele origin: germline. Not counted in ClinVar's aggregate classification.
Comment: Likely benign based on allele frequency in 1000 Genomes Project or ESP global frequency and its presence in a patient with a rare or unrelated disease phenotype. NOT Sanger confirmed.

Genome Diagnostics Laboratory, University Medical Center Utrecht
Classification: Likely benign. Review status: no assertion criteria provided. Collection method: clinical testing. Allele origin: germline. Affected: yes. Study: VKGL Data-share Consensus. Not counted in ClinVar's aggregate classification.

Joint Genome Diagnostic Labs from Nijmegen and Maastricht, Radboudumc and MUMC+
Classification: Likely benign. Review status: no assertion criteria provided. Collection method: clinical testing. Allele origin: germline. Affected: yes. Study: VKGL Data-share Consensus. Not counted in ClinVar's aggregate classification.

Laboratory of Diagnostic Genome Analysis, Leiden University Medical Center (LUMC)
Classification: Likely benign. Review status: no assertion criteria provided. Collection method: clinical testing. Allele origin: germline. Affected: yes. Study: VKGL Data-share Consensus. Not counted in ClinVar's aggregate classification.